The following is an entry in ClinVar:

NM_001378328.1(CELSR1):c.2134C>A (p.Arg712Ser)

Gene: CELSR1 (cadherin EGF LAG seven-pass G-type receptor 1; minus strand). Cytogenetic location: 22q13.31.
Variant type: single nucleotide variant.
Coding change: c.2134C>A on transcript NM_001378328.1 (MANE Select); coding-DNA position 2134, C replaced by A.
Protein change: p.Arg712Ser; replaces arginine 712 with serine.
Molecular consequence: missense variant.
Genome position (GRCh38, 1-based): chr22:46,535,037, G>T on the plus strand (C>A on the coding strand, the complement: CELSR1 is on the minus strand). VCF-style: chr22-46535037-G-T. GRCh37 (hg19) VCF-style: chr22-46930934-G-T.
Other names: c.2134C>A, p.Arg712Ser (NM_014246.4); short protein forms R712S.
Identifiers: ClinVar variation 1193672 (VCV001193672.2), dbSNP rs192865476, ClinGen allele CA10295315.

ClinVar aggregate classification (germline): Uncertain significance (1 of 4 stars; one submission).

gnomAD v4.1: 1 of 1,612,374 alleles (0.000062%); highest among the groups gnomAD compares: Middle Eastern, 0.016%; no homozygotes.

Submission:

GeneDx
Classification: Uncertain significance. Last evaluated: 2020-01-03. Review status: criteria provided, single submitter. Criteria: GeneDx Variant Classification Process June 2021. Collection method: clinical testing. Allele origin: germline. Affected: yes.
Comment: Not observed at a significant frequency in large population cohorts (Lek et al., 2016); In silico analysis, which includes protein predictors and evolutionary conservation, supports that this variant does not alter protein structure/function; Has not been previously published as pathogenic or benign to our knowledge